The following is an entry in ClinVar:

NM_001987.5(ETV6):c.175A>C (p.Ile59Leu)

Genes: ETV6 (ETS variant transcription factor 6; plus strand), LOC126861451 (BRD4-independent group 4 enhancer GRCh37_chr12:11991350-11992549; plus strand). Cytogenetic location: 12p13.2.
Variant type: single nucleotide variant.
Coding change: c.175A>C on transcript NM_001987.5 (MANE Select); coding-DNA position 175, A replaced by C.
Protein change: p.Ile59Leu; replaces isoleucine 59 with leucine.
Molecular consequence: missense variant. On other transcripts: 5 prime UTR variant (1).
Genome position (GRCh38, 1-based): chr12:11,839,151, A>C. VCF-style: chr12-11839151-A-C. GRCh37 (hg19) VCF-style: chr12-11992085-A-C.
Other names: c.172A>C, p.Ile58Leu (NM_001413913.1); c.148A>C, p.Ile50Leu (NM_001413914.1); c.-90A>C (NM_001413915.1); c.175A>C, p.Ile59Leu (NM_001413916.1, NM_001413917.1, NM_001413918.1); short protein forms I59L, I50L, I58L.
Identifiers: ClinVar variation 5036173 (VCV005036173.1).
Genomic context (GRCh38, chr12:11,839,151, plus strand): 5'-CTGACAAGACCTTTCTCTCTTTCTTTCTGCCTCATGCTCTCTCCAACAGGCTTGCAGCCA[A>C]TTTACTGGAGCAGGGATGACGTAGCCCAGTGGCTCAAGTGGGCTGAAAATGAGTTTTCTT-3'
Protein context (NP_001978.1, residues 49-69): RLPAHLRLQP[Ile59Leu]YWSRDDVAQW

ClinVar aggregate classification (germline): Uncertain significance (1 of 4 stars; one submission).

Conditions:
Inborn genetic diseases. Identifiers: MedGen C0950123, MeSH D030342.

Submission:

Ambry Genetics
Classification: Uncertain significance for Inborn genetic diseases. Last evaluated: 2026-07-06. Review status: criteria provided, single submitter. Criteria: Ambry Variant Classification Scheme 2023. Collection method: clinical testing. Allele origin: germline.
Comment: The p.I59L variant (also known as c.175A>C), located in coding exon 3 of the ETV6 gene, results from an A to C substitution at nucleotide position 175. The isoleucine at codon 59 is replaced by leucine, an amino acid with highly similar properties. This amino acid position is conserved. In addition, this alteration is predicted to be tolerated by in silico analysis. Based on the available evidence, the clinical significance of this variant remains unclear.